The following is an entry in ClinVar:

ClinVar aggregate classification (germline): Likely pathogenic (1 of 4 stars; one submission).

Conditions:
BAP1-related tumor predisposition syndrome (TPDS1). Also called: Tumor susceptibility linked to germline BAP1 mutations; BAP1 tumor predisposition syndrome; TUMOR PREDISPOSITION SYNDROME 1; COMMON Syndrome. Identifiers: Orphanet 289539, MedGen C3280492, MONDO:0013692, OMIM 614327.

Submission:

MVZ Medizinische Genetik Mainz
Classification: Likely pathogenic for BAP1-related tumor predisposition syndrome. Last evaluated: 2026-07-09. Review status: criteria provided, single submitter. Criteria: UK Practice Guidelines For Variant Classification V4 01 2020. Collection method: clinical testing. Allele origin: germline. Inheritance: Autosomal dominant inheritance. Affected: yes. Observed: 1 variant allele.
Comment: ACMG Criteria: PVS1_MOD,PS3_MOD,PM2_SUP_MOD,PS4_SUP

NM_004656.4(BAP1):c.1984-1G>C

Gene: BAP1 (BRCA1 associated deubiquitinase 1; minus strand). Cytogenetic location: 3p21.1.
Variant type: single nucleotide variant.
Coding change: c.1984-1G>C on transcript NM_004656.4 (MANE Select); the canonical splice acceptor site of the intron before coding-DNA position 1984, G replaced by C.
Molecular consequence: splice acceptor variant.
Genome position (GRCh38, 1-based): chr3:52,402,675, C>G on the plus strand (G>C on the coding strand, the complement: BAP1 is on the minus strand). VCF-style: chr3-52402675-C-G. GRCh37 (hg19) VCF-style: chr3-52436691-C-G.
Other names: c.1930-1G>C (NM_001410772.1).
Identifiers: ClinVar variation 4879866 (VCV004879866.1).
Genomic context (GRCh38, chr3:52,402,675, plus strand): 5'-CATGGAGATAAAGGTGCAGATGAACTCATCGTAGTTGTGGGTCCTTCTCTGGTCATCAAT[C>G]TGTAGGAGAGAAGAAGACTGAGAGCACTGGAGCCAATCTTGCCAGAGCAGCCACCAGTGG-3'